The following is an entry in ClinVar:

ClinVar aggregate classification (germline): Conflicting classifications of pathogenicity. Review status: criteria provided, conflicting classifications (1 of 4 stars). 2 submissions from 2 submitters: Likely pathogenic (1); Uncertain significance (1). Last evaluated 2025-08-29.

Conditions:
Hereditary cancer-predisposing syndrome. Also called: Neoplastic Syndromes, Hereditary; Tumor predisposition; Hereditary neoplastic syndrome; Hereditary Cancer Syndrome. Identifiers: Orphanet 140162, MedGen C0027672, MeSH D009386, MONDO:0015356.

Allele frequency attached by ClinVar (database versions not stated): gnomAD exomes below 0.00001.
gnomAD v4.1: 1 of 1,614,224 alleles (0.000062%); highest among the groups gnomAD compares: East Asian, 0.0022%; no homozygotes.

Submissions (2):

Ambry Genetics
Classification: Uncertain significance for Hereditary cancer-predisposing syndrome. Last evaluated: 2025-08-29. Review status: criteria provided, single submitter. Criteria: Ambry Variant Classification Scheme 2023. Collection method: clinical testing. Allele origin: germline.
Comment: The c.4444+1G>A intronic variant results from a G to A substitution one nucleotide after coding exon 34 of the POLE gene. This variant is considered to be rare based on population cohorts in the Genome Aggregation Database (gnomAD). This nucleotide position is highly conserved in available vertebrate species. In silico splice site analysis predicts that this alteration will weaken the native splice donor site. RNA studies have demonstrated that this alteration results in abnormal splicing in the set of samples tested (Ambry internal data). Another variant impacting the same donor site (c.4444+3A>G) has been shown to have a similar impact on splicing in individuals with features consistent with POLE deficiency (Pachlopnik Schmid J et al. J. Exp. Med., 2012 Dec;209:2323-30; Thiffault I et al. BMC Med. Genet., 2015 May;16:31). Alterations that disrupt the canonical splice site are expected to cause aberrant splicing, resulting in an abnormal protein or a transcript that is subject to nonsense-mediated mRNA decay. Although biallelic loss of function of POLE has been associated with autosomal recessive POLE deficiency, haploinsufficiency of POLE has not been established as a mechanism of disease for POLE-related polymerase proofreading-associated polyposis (PPAP) and POLE-related CMMRD-like syndrome. Based on the supporting evidence, this variant is expected to be causative of POLE deficiency when present along with a second pathogenic variant on the other allele; however, its clinical significance for PPAP and POLE-related CMMRD-like syndrome is unclear.

Labcorp Genetics (formerly Invitae), Labcorp
Classification: Likely pathogenic. Last evaluated: 2022-05-27. Review status: criteria provided, single submitter. Criteria: Invitae Variant Classification Sherloc (09022015). Collection method: clinical testing. Allele origin: germline.
Comment: In summary, the currently available evidence indicates that the variant is pathogenic, but additional data are needed to prove that conclusively. Therefore, this variant has been classified as Likely Pathogenic. Algorithms developed to predict the effect of sequence changes on RNA splicing suggest that this variant may disrupt the consensus splice site. ClinVar contains an entry for this variant (Variation ID: 824897). This variant has not been reported in the literature in individuals affected with POLE-related conditions. This variant is not present in population databases (gnomAD no frequency). This sequence change affects a donor splice site in intron 34 of the POLE gene. It is expected to disrupt RNA splicing. Variants that disrupt the donor or acceptor splice site typically lead to a loss of protein function (PMID: 16199547), and loss-of-function variants in POLE are known to be pathogenic (PMID: 23230001, 25948378, 30503519).

Literature cited by the submitters: PubMed 16199547 (cited by Labcorp Genetics (formerly Invitae), Labcorp); PubMed 23230001 (cited by Labcorp Genetics (formerly Invitae), Labcorp); PubMed 25948378 (cited by Labcorp Genetics (formerly Invitae), Labcorp); PubMed 30503519 (cited by Labcorp Genetics (formerly Invitae), Labcorp).

NM_006231.4(POLE):c.4444+1G>A

Gene: POLE (DNA polymerase epsilon, catalytic subunit; minus strand). Cytogenetic location: 12q24.33.
Variant type: single nucleotide variant.
Coding change: c.4444+1G>A on transcript NM_006231.4 (MANE Select); the canonical splice donor site of the intron after coding-DNA position 4444, G replaced by A.
Molecular consequence: splice donor variant.
Genome position (GRCh38, 1-based): chr12:132,643,406, C>T on the plus strand (G>A on the coding strand, the complement: POLE is on the minus strand). VCF-style: chr12-132643406-C-T. GRCh37 (hg19) VCF-style: chr12-133219992-C-T.
Identifiers: ClinVar variation 824897 (VCV000824897.13), dbSNP rs1593734374, ClinGen allele CA387380879.
Genomic context (GRCh38, chr12:132,643,406, plus strand): 5'-AGACCGTCACCCCAGATGTGTGGGAGGCAGGCACATGATGGGCGGCTGGTGCAGGCCATA[C>T]CTGGTTCCAGGTAGCTGAACTGGGCCAGAGAGCGCATCTCCAGGTGCTCAAGAGCAAAGG-3'